The following is an entry in ClinVar:

NM_001848.3(COL6A1):c.1350G>A (p.Pro450=)

Gene: COL6A1 (collagen type VI alpha 1 chain; plus strand). Cytogenetic location: 21q22.3.
Variant type: single nucleotide variant.
Coding change: c.1350G>A on transcript NM_001848.3 (MANE Select); coding-DNA position 1350, G replaced by A.
Protein change: p.Pro450=; no amino-acid change (proline 450 retained).
Molecular consequence: synonymous variant.
Genome position (GRCh38, 1-based): chr21:45,994,181, G>A. VCF-style: chr21-45994181-G-A. GRCh37 (hg19) VCF-style: chr21-47414095-G-A.
Identifiers: ClinVar variation 195477 (VCV000195477.29), dbSNP rs144887329, ClinGen allele CA241921.

ClinVar aggregate classification (germline): Conflicting classifications of pathogenicity. Review status: criteria provided, conflicting classifications (1 of 4 stars). 6 submissions from 6 submitters: Uncertain significance (1); Benign (1); Likely benign (4). Last evaluated 2026-09-01.

Conditions:
Bethlem myopathy 1A. Also called: Bethlem Muscular Dystrophy; MYOPATHY, BENIGN CONGENITAL, WITH CONTRACTURES; Bethlem myopathy 1. Identifiers: Orphanet 610, MedGen CN029274, MONDO:0024530, OMIM 158810.

Allele frequency attached by ClinVar (database versions not stated): 1000 Genomes Project 30x 0.00016; 1000 Genomes Project 0.00020; gnomAD 0.00050 and 0.00051; ExAC 0.00052; TOPMed 0.00057; ESP Exome Variant Server 0.00077.
gnomAD v4.1: 1,228 of 1,604,620 alleles (0.077%); highest among the groups gnomAD compares: Non-Finnish European, 0.094%; 2 homozygotes.

Submissions (6):

CeGaT Center for Human Genetics Tuebingen
Classification: Likely benign. Last evaluated: 2026-09-01. Review status: criteria provided, single submitter. Criteria: CeGaT Center For Human Genetics Tuebingen Variant Classification Criteria Version 2. Collection method: clinical testing. Allele origin: germline. Affected: yes. Observed: 4 variant alleles.
Comment: COL6A1: BP4, BP7

Labcorp Genetics (formerly Invitae), Labcorp
Classification: Likely benign for Bethlem myopathy 1A. Last evaluated: 2026-01-19. Review status: criteria provided, single submitter. Criteria: Invitae Variant Classification Sherloc (09022015). Collection method: clinical testing. Allele origin: germline.

Blueprint Genetics
Classification: Likely benign. Last evaluated: 2024-11-20. Review status: criteria provided, single submitter. Criteria: ACMG Guidelines, 2015. Collection method: clinical testing. Allele origin: germline.

Women's Health and Genetics/Laboratory Corporation of America, LabCorp
Classification: Benign. Last evaluated: 2024-06-12. Review status: criteria provided, single submitter. Criteria: LabCorp Variant Classification Summary - May 2015. Collection method: clinical testing. Allele origin: germline.

GeneDx
Classification: Likely benign. Last evaluated: 2020-05-18. Review status: criteria provided, single submitter. Criteria: GeneDx Variant Classification Process June 2021. Collection method: clinical testing. Allele origin: germline. Affected: yes.

Eurofins Ntd Llc (ga)
Classification: Uncertain significance. Last evaluated: 2017-05-24. Review status: criteria provided, single submitter. Criteria: EGL Classification Definitions 2015. Collection method: clinical testing. Allele origin: germline. Observed: 11 variant alleles, 11 heterozygotes.